The following is an entry in ClinVar:

NM_000059.4(BRCA2):c.3094A>T (p.Lys1032Ter)

Gene: BRCA2 (BRCA2 DNA repair associated; plus strand). Cytogenetic location: 13q13.1.
Variant type: single nucleotide variant.
Coding change: c.3094A>T on transcript NM_000059.4 (MANE Select); coding-DNA position 3094, A replaced by T.
Protein change: p.Lys1032Ter; replaces lysine 1032 with a stop codon.
Molecular consequence: nonsense.
Genome position (GRCh38, 1-based): chr13:32,337,449, A>T. VCF-style: chr13-32337449-A-T. GRCh37 (hg19) VCF-style: chr13-32911586-A-T.
Other names: short protein forms K1032*.
Identifiers: ClinVar variation 655997 (VCV000655997.9), dbSNP rs1593898563, ClinGen allele CA387775297.
Genomic context (GRCh38, chr13:32,337,449, plus strand): 5'-GCTTCAAATAAGGAAATCAAGCTCTCTGAACATAACATTAAGAAGAGCAAAATGTTCTTC[A>T]AAGATATTGAAGAACAATATCCTACTAGTTTAGCTTGTGTTGAAATTGTAAATACCTTGG-3'

ClinVar aggregate classification (germline): Pathogenic (1 of 4 stars; one submission).

Conditions:
Hereditary breast ovarian cancer syndrome. Also called: Hereditary breast and ovarian cancer; Hereditary breast and/or ovarian cancer syndrome; Breast and ovarian cancer; BRCA1- and BRCA2-Associated Hereditary Breast and Ovarian Cancer; Hereditary breast and ovarian cancer syndrome; Hereditary breast and ovarian cancer syndrome (HBOC). Identifiers: Orphanet 145, MedGen C0677776, MeSH D061325, MONDO:0003582. Disease mechanism: loss of function.

Submission:

Labcorp Genetics (formerly Invitae), Labcorp
Classification: Pathogenic for Hereditary breast ovarian cancer syndrome. Last evaluated: 2025-09-13. Review status: criteria provided, single submitter. Criteria: Invitae Variant Classification Sherloc (09022015). Collection method: clinical testing. Allele origin: germline.
Comment: This sequence change creates a premature translational stop signal (p.Lys1032*) in the BRCA2 gene. It is expected to result in an absent or disrupted protein product. Loss-of-function variants in BRCA2 are known to be pathogenic (PMID: 20104584). This variant is not present in population databases (gnomAD no frequency). This variant has not been reported in the literature in individuals affected with BRCA2-related conditions. ClinVar contains an entry for this variant (Variation ID: 655997). For these reasons, this variant has been classified as Pathogenic.

Literature cited by the submitters: PubMed 20104584.